The following is an entry in ClinVar:

ClinVar aggregate classification (germline): Uncertain significance. Review status: criteria provided, multiple submitters, no conflicts (2 of 4 stars). 2 submissions from 2 submitters: Uncertain significance (2). Last evaluated 2023-03-17.

Conditions:
Inborn genetic diseases. Identifiers: MedGen C0950123, MeSH D030342.

Allele frequency attached by ClinVar (database versions not stated): gnomAD 0.00001; TOPMed 0.00001; gnomAD exomes 0.00002.
gnomAD v4.1: 31 of 1,613,188 alleles (0.0019%); highest among the groups gnomAD compares: Middle Eastern, 0.016%; no homozygotes.

Submissions (2):

Ambry Genetics
Classification: Uncertain significance for Inborn genetic diseases. Last evaluated: 2023-03-17. Review status: criteria provided, single submitter. Criteria: Ambry Variant Classification Scheme 2023. Collection method: clinical testing. Allele origin: germline.

Labcorp Genetics (formerly Invitae), Labcorp
Classification: Uncertain significance. Last evaluated: 2021-09-17. Review status: criteria provided, single submitter. Criteria: Invitae Variant Classification Sherloc (09022015). Collection method: clinical testing. Allele origin: germline.
Comment: This sequence change replaces glutamic acid with lysine at codon 99 of the NPHS1 protein (p.Glu99Lys). The glutamic acid residue is moderately conserved and there is a small physicochemical difference between glutamic acid and lysine. This variant is not present in population databases (ExAC no frequency). This variant has not been reported in the literature in individuals with NPHS1-related conditions. Algorithms developed to predict the effect of missense changes on protein structure and function are either unavailable or do not agree on the potential impact of this missense change (SIFT: "Tolerated"; PolyPhen-2: "Possibly Damaging"; Align-GVGD: "Class C0"). In summary, the available evidence is currently insufficient to determine the role of this variant in disease. Therefore, it has been classified as a Variant of Uncertain Significance.

NM_004646.4(NPHS1):c.295G>A (p.Glu99Lys)

Gene: NPHS1 (NPHS1 adhesion molecule, nephrin; minus strand). Cytogenetic location: 19q13.12.
Variant type: single nucleotide variant.
Coding change: c.295G>A on transcript NM_004646.4 (MANE Select); coding-DNA position 295, G replaced by A.
Protein change: p.Glu99Lys; replaces glutamic acid 99 with lysine.
Molecular consequence: missense variant.
Genome position (GRCh38, 1-based): chr19:35,851,364, C>T on the plus strand (G>A on the coding strand, the complement: NPHS1 is on the minus strand). VCF-style: chr19-35851364-C-T. GRCh37 (hg19) VCF-style: chr19-36342266-C-T.
Other names: short protein forms E99K.
Identifiers: ClinVar variation 2153247 (VCV002153247.3), dbSNP rs1006352232, ClinGen allele CA307790726.